The following is an entry in ClinVar:

NM_001377540.1(SLMAP):c.1289T>C (p.Ile430Thr)

Gene: SLMAP (sarcolemma associated protein; plus strand). Cytogenetic location: 3p14.3.
Variant type: single nucleotide variant.
Coding change: c.1289T>C on transcript NM_001377540.1 (MANE Select); coding-DNA position 1289, T replaced by C.
Protein change: p.Ile430Thr; replaces isoleucine 430 with threonine.
Molecular consequence: missense variant. On other transcripts: non-coding transcript variant (1), intron variant (9).
Genome position (GRCh38, 1-based): chr3:57,871,687, T>C. VCF-style: chr3-57871687-T-C. GRCh37 (hg19) VCF-style: chr3-57857414-T-C.
Other names: c.1238T>C, p.Ile413Thr (NM_001304420.3, NM_001377541.1, NM_001377542.1 and 2 more transcripts); c.1289T>C, p.Ile430Thr (NM_001377538.1, NM_001377539.1, NM_001377555.1); c.1187T>C, p.Ile396Thr (NM_001377549.1, NM_001377923.1, NM_007159.5); c.1237+6395T>C (NM_001377545.1, NM_001377922.1); c.1186+6830T>C (NM_001377552.1, NM_001377551.1, NM_001377924.1); c.1135+6971T>C (NM_001377559.1, NM_001377557.1, NM_001377925.1 and 1 more transcripts); short protein forms I396T, I413T, I430T.
Identifiers: ClinVar variation 1019955 (VCV001019955.8), dbSNP rs375841302, ClinGen allele CA2467072.
Genomic context (GRCh38, chr3:57,871,687, plus strand): 5'-CTTTATTAGAGCACTTGCTTTCAAAGAGTGGCGGGGACTGCACTTTTATTCATCAATTCA[T>C]AGAATGCCAGAGTGAGTACAGAGTATTTTTCACATTGATTTTAATGAAGTCAGGGGCTAA-3'
Protein context (NP_001364469.1, residues 420-440): GGDCTFIHQF[Ile430Thr]ECQKKLIVEG

ClinVar aggregate classification (germline): Uncertain significance. Review status: criteria provided, multiple submitters, no conflicts (2 of 4 stars). 2 submissions from 2 submitters: Uncertain significance (2). Last evaluated 2025-08-12.

Conditions:
Brugada syndrome. Also called: Sudden unexpected nocturnal death syndrome; Sudden unexplained nocturnal death syndrome; Sudden Unexplained Death Syndrome; Sudden Unexplained Nocturnal Death Syndrome (SUNDS). Identifiers: Orphanet 130, MedGen C1142166, MONDO:0015263.

Allele frequency attached by ClinVar (database versions not stated): ExAC 0.00002; gnomAD exomes 0.00002; TOPMed 0.00002; gnomAD 0.00003 and 0.00004; ESP Exome Variant Server 0.00008.
gnomAD v4.1: 36 of 1,611,482 alleles (0.0022%); highest among the groups gnomAD compares: Non-Finnish European, 0.0028%; no homozygotes.

Submissions (2):

Ambry Genetics
Classification: Uncertain significance. Last evaluated: 2025-08-12. Review status: criteria provided, single submitter. Criteria: Ambry Variant Classification Scheme 2023. Collection method: clinical testing. Allele origin: germline.
Comment: The p.I396T variant (also known as c.1187T>C), located in coding exon 11 of the SLMAP gene, results from a T to C substitution at nucleotide position 1187. The isoleucine at codon 396 is replaced by threonine, an amino acid with similar properties. This amino acid position is conserved. In addition, this alteration is predicted to be tolerated by in silico analysis. Since supporting evidence is limited at this time, the clinical significance of this alteration remains unclear.

Labcorp Genetics (formerly Invitae), Labcorp
Classification: Uncertain significance for Brugada syndrome. Last evaluated: 2025-06-18. Review status: criteria provided, single submitter. Criteria: Invitae Variant Classification Sherloc (09022015). Collection method: clinical testing. Allele origin: germline.
Comment: This sequence change replaces isoleucine, which is neutral and non-polar, with threonine, which is neutral and polar, at codon 396 of the SLMAP protein (p.Ile396Thr). The frequency data for this variant in the population databases is considered unreliable, as metrics indicate poor data quality at this position in the gnomAD database. This variant has not been reported in the literature in individuals affected with SLMAP-related conditions. ClinVar contains an entry for this variant (Variation ID: 1019955). An algorithm developed to predict the effect of missense changes on protein structure and function (PolyPhen-2) suggests that this variant is likely to be tolerated. In summary, the available evidence is currently insufficient to determine the role of this variant in disease. Therefore, it has been classified as a Variant of Uncertain Significance.